The following is an entry in ClinVar:

NM_005477.3(HCN4):c.3126G>A (p.Pro1042=)

Gene: HCN4 (hyperpolarization activated cyclic nucleotide gated potassium channel 4; minus strand). Cytogenetic location: 15q24.1.
Variant type: single nucleotide variant.
Coding change: c.3126G>A on transcript NM_005477.3 (MANE Select); coding-DNA position 3126, G replaced by A.
Protein change: p.Pro1042=; no amino-acid change (proline 1042 retained).
Molecular consequence: synonymous variant.
Genome position (GRCh38, 1-based): chr15:73,322,967, C>T on the plus strand (G>A on the coding strand, the complement: HCN4 is on the minus strand). VCF-style: chr15-73322967-C-T. GRCh37 (hg19) VCF-style: chr15-73615308-C-T.
Identifiers: ClinVar variation 382812 (VCV000382812.18), dbSNP rs1057521459, ClinGen allele CA16606777.

ClinVar aggregate classification (germline): Likely benign. Review status: criteria provided, multiple submitters, no conflicts (2 of 4 stars). 3 submissions from 3 submitters: Likely benign (3). Last evaluated 2025-12-19.

Conditions:
Cardiovascular phenotype. Identifiers: MedGen CN230736.
Brugada syndrome 8 (BRGDA8). Identifiers: Orphanet 130, MedGen C2751083, MONDO:0013148, OMIM 613123.

Allele frequency attached by ClinVar (database versions not stated): gnomAD 0.00001; gnomAD exomes 0.00002; TOPMed 0.00002.
gnomAD v4.1: 34 of 1,399,892 alleles (0.0024%); highest among the groups gnomAD compares: Non-Finnish European, 0.0029%; no homozygotes.

Submissions (3):

Labcorp Genetics (formerly Invitae), Labcorp
Classification: Likely benign for Brugada syndrome 8. Last evaluated: 2025-12-19. Review status: criteria provided, single submitter. Criteria: Invitae Variant Classification Sherloc (09022015). Collection method: clinical testing. Allele origin: germline.

GeneDx
Classification: Likely benign. Last evaluated: 2021-01-14. Review status: criteria provided, single submitter. Criteria: GeneDx Variant Classification Process June 2021. Collection method: clinical testing. Allele origin: germline. Affected: yes.
Comment: This variant is associated with the following publications: (PMID: 23623143)

Ambry Genetics
Classification: Likely benign for Cardiovascular phenotype. Last evaluated: 2017-11-29. Review status: criteria provided, single submitter. Criteria: Ambry Variant Classification Scheme 2023. Collection method: clinical testing. Allele origin: germline.